The following is an entry in ClinVar:

NM_199355.4(ADAMTS18):c.3269C>G (p.Thr1090Ser)

Gene: ADAMTS18 (ADAM metallopeptidase with thrombospondin type 1 motif 18; minus strand). Cytogenetic location: 16q23.1.
Variant type: single nucleotide variant.
Coding change: c.3269C>G on transcript NM_199355.4 (MANE Select); coding-DNA position 3269, C replaced by G.
Protein change: p.Thr1090Ser; replaces threonine 1090 with serine.
Molecular consequence: missense variant.
Genome position (GRCh38, 1-based): chr16:77,291,399, G>C on the plus strand (C>G on the coding strand, the complement: ADAMTS18 is on the minus strand). VCF-style: chr16-77291399-G-C. GRCh37 (hg19) VCF-style: chr16-77325296-G-C.
Other names: c.2753C>G, p.Thr918Ser (NM_001326358.2); c.3269C>G (NM_199355.2); short protein forms T1090S, T918S.
Identifiers: ClinVar variation 847810 (VCV000847810.10), dbSNP rs2055361265, ClinGen allele CA396832245.

ClinVar aggregate classification (germline): Uncertain significance. Review status: criteria provided, multiple submitters, no conflicts (2 of 4 stars). 2 submissions from 2 submitters: Uncertain significance (2). Last evaluated 2022-12-28.

Conditions:
Inborn genetic diseases. Identifiers: MedGen C0950123, MeSH D030342.

Allele frequency attached by ClinVar (database versions not stated): gnomAD exomes below 0.00001.
gnomAD v4.1: 6 of 1,614,144 alleles (0.00037%); highest among the groups gnomAD compares: Non-Finnish European, 0.00051%; no homozygotes.

Submissions (2):

Ambry Genetics
Classification: Uncertain significance for Inborn genetic diseases. Last evaluated: 2022-12-28. Review status: criteria provided, single submitter. Criteria: Ambry Variant Classification Scheme 2023. Collection method: clinical testing. Allele origin: germline.

Labcorp Genetics (formerly Invitae), Labcorp
Classification: Uncertain significance. Last evaluated: 2019-12-28. Review status: criteria provided, single submitter. Criteria: Invitae Variant Classification Sherloc (09022015). Collection method: clinical testing. Allele origin: germline.
Comment: In summary, the available evidence is currently insufficient to determine the role of this variant in disease. Therefore, it has been classified as a Variant of Uncertain Significance. Algorithms developed to predict the effect of missense changes on protein structure and function are either unavailable or do not agree on the potential impact of this missense change (SIFT: "Not Available"; PolyPhen-2: "Benign"; Align-GVGD: "Not Available"). This variant has not been reported in the literature in individuals with ADAMTS18-related conditions. This variant is not present in population databases (ExAC no frequency). This sequence change replaces threonine with serine at codon 1090 of the ADAMTS18 protein (p.Thr1090Ser). The threonine residue is moderately conserved and there is a small physicochemical difference between threonine and serine.